The following is an entry in ClinVar:

NM_006073.4(TRDN):c.52G>A (p.Asp18Asn)

Gene: TRDN (triadin; minus strand). Cytogenetic location: 6q22.31.
Variant type: single nucleotide variant.
Coding change: c.52G>A on transcript NM_006073.4 (MANE Select); coding-DNA position 52, G replaced by A.
Protein change: p.Asp18Asn; replaces aspartic acid 18 with asparagine.
Molecular consequence: missense variant.
Genome position (GRCh38, 1-based): chr6:123,571,103, C>T on the plus strand (G>A on the coding strand, the complement: TRDN is on the minus strand). VCF-style: chr6-123571103-C-T. GRCh37 (hg19) VCF-style: chr6-123892248-C-T.
Other names: c.52G>A, p.Asp18Asn (NM_001251987.2, NM_001256020.2, NM_001256021.2 and 2 more transcripts); short protein forms D18N.
Identifiers: ClinVar variation 2562975 (VCV002562975.2), dbSNP rs372554839, ClinGen allele CA365569388.

ClinVar aggregate classification (germline): Uncertain significance (1 of 4 stars; one submission).

Conditions:
Cardiovascular phenotype. Identifiers: MedGen CN230736.

Submission:

Ambry Genetics
Classification: Uncertain significance for Cardiovascular phenotype. Last evaluated: 2023-06-03. Review status: criteria provided, single submitter. Criteria: Ambry Variant Classification Scheme 2023. Collection method: clinical testing. Allele origin: germline.
Comment: The p.D18N variant (also known as c.52G>A), located in coding exon 2 of the TRDN gene, results from a G to A substitution at nucleotide position 52. The aspartic acid at codon 18 is replaced by asparagine, an amino acid with highly similar properties. This amino acid position is conserved. In addition, this alteration is predicted to be tolerated by in silico analysis. Since supporting evidence is limited at this time, the clinical significance of this alteration remains unclear.